The following is an entry in ClinVar:

ClinVar aggregate classification (germline): Uncertain significance (1 of 4 stars; one submission).

Conditions:
Polyglandular autoimmune syndrome, type 1 (APS1). Also called: PGA I; AUTOIMMUNE POLYENDOCRINE SYNDROME, TYPE I, WITH OR WITHOUT REVERSIBLE METAPHYSEAL DYSPLASIA; APS I; Autoimmune polyendocrinopathy syndrome , type I, with or without reversible metaphyseal dysplasia; Whitaker syndrome; HYPOADRENOCORTICISM WITH HYPOPARATHYROIDISM AND SUPERFICIAL MONILIASIS. Identifiers: Orphanet 3453, MedGen C0085859, MONDO:0009411, OMIM 240300.

Submission:

Labcorp Genetics (formerly Invitae), Labcorp
Classification: Uncertain significance for Polyglandular autoimmune syndrome, type 1. Last evaluated: 2022-03-13. Review status: criteria provided, single submitter. Criteria: Invitae Variant Classification Sherloc (09022015). Collection method: clinical testing. Allele origin: germline.
Comment: This sequence change replaces glycine, which is neutral and non-polar, with serine, which is neutral and polar, at codon 527 of the AIRE protein (p.Gly527Ser). Information on the frequency of this variant in the gnomAD database is not available, as this variant may be reported differently in the database. This variant has not been reported in the literature in individuals affected with AIRE-related conditions. Experimental studies and prediction algorithms are not available or were not evaluated, and the functional significance of this variant is currently unknown. In summary, the available evidence is currently insufficient to determine the role of this variant in disease. Therefore, it has been classified as a Variant of Uncertain Significance.

NM_000383.4(AIRE):c.1578_1579inv (p.Gly527Ser)

Gene: AIRE (autoimmune regulator; plus strand). Cytogenetic location: 21q22.3.
Variant type: Inversion.
Coding change: c.1578_1579inv on transcript NM_000383.4 (MANE Select).
Protein change: p.Gly527Ser; replaces glycine 527 with serine.
Molecular consequence: missense variant.
Genome position: GRCh38 VCF-style: chr21-44297667-TG-CA. GRCh37 (hg19) VCF-style: chr21-45717550-TG-CA.
Other names: short protein forms G527S.
Identifiers: ClinVar variation 2164371 (VCV002164371.1), ClinGen allele CA2580099001.